The following is an entry in ClinVar:

NM_000059.4(BRCA2):c.9446G>C (p.Ser3149Thr)

Gene: BRCA2 (BRCA2 DNA repair associated; plus strand). Cytogenetic location: 13q13.1.
Variant type: single nucleotide variant.
Coding change: c.9446G>C on transcript NM_000059.4 (MANE Select); coding-DNA position 9446, G replaced by C.
Protein change: p.Ser3149Thr; replaces serine 3149 with threonine.
Molecular consequence: missense variant. On other transcripts: non-coding transcript variant (1).
Genome position (GRCh38, 1-based): chr13:32,394,878, G>C. VCF-style: chr13-32394878-G-C. GRCh37 (hg19) VCF-style: chr13-32969015-G-C.
Other names: c.9350G>C, p.Ser3117Thr (NM_001406719.1); c.9395G>C, p.Ser3132Thr (NM_001406720.1); c.4514G>C, p.Ser1505Thr (NM_001406721.1); c.3029G>C, p.Ser1010Thr (NM_001406722.1); c.9446G>C, p.Ser3149Thr (NM_001432077.1); short protein forms S1505T, S3117T, S3132T, S3149T, S1010T.
Identifiers: ClinVar variation 4215805 (VCV004215805.1).

ClinVar aggregate classification (germline): Uncertain significance (1 of 4 stars; one submission).

Conditions:
Hereditary cancer-predisposing syndrome. Also called: Hereditary Cancer Syndrome; Hereditary neoplastic syndrome; Neoplastic Syndromes, Hereditary; Tumor predisposition. Identifiers: Orphanet 140162, MedGen C0027672, MeSH D009386, MONDO:0015356.

gnomAD v4.1: 1 of 1,614,066 alleles (0.000062%); highest among the groups gnomAD compares: South Asian, 0.0011%; no homozygotes.

Submission:

Ambry Genetics
Classification: Uncertain significance for Hereditary cancer-predisposing syndrome. Last evaluated: 2025-06-24. Review status: criteria provided, single submitter. Criteria: Ambry Variant Classification Scheme 2023. Collection method: clinical testing. Allele origin: germline.
Comment: The p.S3149T variant (also known as c.9446G>C), located in coding exon 24 of the BRCA2 gene, results from a G to C substitution at nucleotide position 9446. The serine at codon 3149 is replaced by threonine, an amino acid with similar properties. This amino acid position is conserved. In addition, the in silico prediction for this alteration is inconclusive. Based on the available evidence, the clinical significance of this variant remains unclear.